The following is an entry in ClinVar:

ClinVar aggregate classification (germline): Uncertain significance. Review status: criteria provided, multiple submitters, no conflicts (2 of 4 stars). 3 submissions from 3 submitters: Uncertain significance (3). Last evaluated 2025-03-30.

Conditions:
DNA2-related disorder. Also called: DNA2-related condition.
Inborn genetic diseases. Identifiers: MedGen C0950123, MeSH D030342.

Allele frequency attached by ClinVar (database versions not stated): gnomAD exomes below 0.00001; gnomAD 0.00001; TOPMed 0.00003; ESP Exome Variant Server 0.00008.
gnomAD v4.1: 3 of 1,613,742 alleles (0.00019%); highest among the groups gnomAD compares: Non-Finnish European, 0.00025%; no homozygotes.

Submissions (3):

Ambry Genetics
Classification: Uncertain significance for Inborn genetic diseases. Last evaluated: 2025-03-30. Review status: criteria provided, single submitter. Criteria: Ambry Variant Classification Scheme 2023. Collection method: clinical testing. Allele origin: germline.

Labcorp Genetics (formerly Invitae), Labcorp
Classification: Uncertain significance. Last evaluated: 2024-11-07. Review status: criteria provided, single submitter. Criteria: Invitae Variant Classification Sherloc (09022015). Collection method: clinical testing. Allele origin: germline.
Comment: This sequence change replaces tyrosine, which is neutral and polar, with histidine, which is basic and polar, at codon 496 of the DNA2 protein (p.Tyr496His). This variant is present in population databases (rs377489386, gnomAD 0.0009%). This variant has not been reported in the literature in individuals affected with DNA2-related conditions. ClinVar contains an entry for this variant (Variation ID: 2628409). Invitae Evidence Modeling of protein sequence and biophysical properties (such as structural, functional, and spatial information, amino acid conservation, physicochemical variation, residue mobility, and thermodynamic stability) indicates that this missense variant is not expected to disrupt DNA2 protein function with a negative predictive value of 80%. In summary, the available evidence is currently insufficient to determine the role of this variant in disease. Therefore, it has been classified as a Variant of Uncertain Significance.

PreventionGenetics, part of Exact Sciences
Classification: Uncertain significance for DNA2-related condition. Last evaluated: 2022-09-20. Review status: criteria provided, single submitter. Criteria: ACMG Guidelines, 2015. Collection method: clinical testing. Allele origin: germline.
Comment: The DNA2 c.1486T>C variant is predicted to result in the amino acid substitution p.Tyr496His. To our knowledge, this variant has not been reported in the literature. This variant is reported in 0.00089% of alleles in individuals of European (Non-Finnish) descent in gnomAD. At this time, the clinical significance of this variant is uncertain due to the absence of conclusive functional and genetic evidence.

NM_001080449.3(DNA2):c.1486T>C (p.Tyr496His)

Gene: DNA2 (DNA replication helicase/nuclease 2; minus strand). Cytogenetic location: 10q21.3.
Variant type: single nucleotide variant.
Coding change: c.1486T>C on transcript NM_001080449.3 (MANE Select); coding-DNA position 1486, T replaced by C.
Protein change: p.Tyr496His; replaces tyrosine 496 with histidine.
Molecular consequence: missense variant. On other transcripts: non-coding transcript variant (1).
Genome position (GRCh38, 1-based): chr10:68,437,171, A>G on the plus strand (T>C on the coding strand, the complement: DNA2 is on the minus strand). VCF-style: chr10-68437171-A-G. GRCh37 (hg19) VCF-style: chr10-70196928-A-G.
Other names: short protein forms Y496H.
Identifiers: ClinVar variation 2628409 (VCV002628409.5), dbSNP rs377489386, ClinGen allele CA208207065.
Genomic context (GRCh38, chr10:68,437,171, plus strand): 5'-CACCTGCCATTAGATTTGTGACAGGTATGGCACCATGTTTACATTGGAAATTATGTAAAT[A>G]TTGCCCATCACAAACTATCTTTACATGTTCCATTCTAATCAGGTTTCCAATGCAACTGCC-3'
Protein context (NP_001073918.2, residues 486-506): EHVKIVCDGQ[Tyr496His]LHNFQCKHGA